The following is an entry in ClinVar:

NC_000016.9:g.(?_86544176)_(86602447_?)del

Genes: FOXC2 (forkhead box C2; plus strand), FOXF1 (forkhead box F1; plus strand), MTHFSD (methenyltetrahydrofolate synthetase domain containing; minus strand). Cytogenetic location: 16q24.1.
Variant type: Deletion.
Identifiers: ClinVar variation 3243628 (VCV003243628.1).

ClinVar aggregate classification (germline): Pathogenic (1 of 4 stars; one submission).

Submission:

Labcorp Genetics (formerly Invitae), Labcorp
Classification: Pathogenic. Last evaluated: 2023-02-09. Review status: criteria provided, single submitter. Criteria: Invitae Variant Classification Sherloc (09022015). Collection method: clinical testing. Allele origin: unknown.
Comment: A gross deletion of the genomic region encompassing the full coding sequence of the FOXF1 gene has been identified. Loss-of-function variants in FOXF1 are known to be pathogenic (PMID: 19500772, 23505205). The boundaries of this event are unknown as they extend beyond the assayed region for this gene and therefore may encompass additional genes. A similar copy number variant has been observed in individual(s) with alveolar capillary dysplasia with misalignment of pulmonary veins (PMID: 23505205, 27071622). For these reasons, this variant has been classified as Pathogenic.

Literature cited by the submitters: PubMed 19500772; PubMed 23505205; PubMed 27071622.